The following is an entry in ClinVar:

ClinVar aggregate classification (germline): Pathogenic (1 of 4 stars; one submission).

Submission:

Labcorp Genetics (formerly Invitae), Labcorp
Classification: Pathogenic. Last evaluated: 2023-12-22. Review status: criteria provided, single submitter. Criteria: Invitae Variant Classification Sherloc (09022015). Collection method: clinical testing. Allele origin: germline.
Comment: This sequence change creates a premature translational stop signal (p.Ser4438Leufs*28) in the ADGRV1 gene. It is expected to result in an absent or disrupted protein product. Loss-of-function variants in ADGRV1 are known to be pathogenic (PMID: 19357117, 22135276, 22147658, 26226137, 30718709, 31047384, 32467589). This variant is not present in population databases (gnomAD no frequency). This premature translational stop signal has been observed in individual(s) with clinical features of ADGRV1-related conditions (Invitae). In at least one individual the data is consistent with being in trans (on the opposite chromosome) from a pathogenic variant. ClinVar contains an entry for this variant (Variation ID: 1376960). Algorithms developed to predict the effect of sequence changes on RNA splicing suggest that this variant may disrupt the consensus splice site. For these reasons, this variant has been classified as Pathogenic.

Literature cited by the submitters: PubMed 19357117; PubMed 22135276; PubMed 22147658; PubMed 26226137; PubMed 30718709; PubMed 31047384; PubMed 32467589.

NM_032119.4(ADGRV1):c.13312del (p.Ser4438fs)

Gene: ADGRV1 (adhesion G protein-coupled receptor V1; plus strand). Cytogenetic location: 5q14.3.
Variant type: Deletion.
Coding change: c.13312del on transcript NM_032119.4 (MANE Select); coding-DNA position 13312, one base deleted (T; older notation c.13312delT).
Protein change: p.Ser4438fs; shifts the reading frame from serine 4438.
Molecular consequence: frameshift variant. On other transcripts: non-coding transcript variant (1).
Genome position (GRCh38, 1-based): chr5:90,783,204, T deleted. VCF-style (leftmost placement, unchanged base first): chr5-90783203-CT-C. GRCh37 (hg19) VCF-style: chr5-90079020-CT-C.
Other names: short protein forms S4438fs.
Identifiers: ClinVar variation 1376960 (VCV001376960.8), dbSNP rs2150102490, ClinGen allele CA2573140028.